The following is an entry in ClinVar:

ClinVar aggregate classification (germline): Likely benign. Review status: criteria provided, multiple submitters, no conflicts (2 of 4 stars). 2 submissions from 2 submitters: Likely benign (2). Last evaluated 2023-11-20.

Allele frequency attached by ClinVar (database versions not stated): ExAC 0.00001; gnomAD 0.00001; TOPMed 0.00001.
gnomAD v4.1: 15 of 1,613,260 alleles (0.00093%); highest among the groups gnomAD compares: Middle Eastern, 0.017%; no homozygotes.

Submissions (2):

Labcorp Genetics (formerly Invitae), Labcorp
Classification: Likely benign. Last evaluated: 2023-11-20. Review status: criteria provided, single submitter. Criteria: Invitae Variant Classification Sherloc (09022015). Collection method: clinical testing. Allele origin: germline.

CeGaT Center for Human Genetics Tuebingen
Classification: Likely benign. Last evaluated: 2022-12-01. Review status: criteria provided, single submitter. Criteria: CeGaT Center For Human Genetics Tuebingen Variant Classification Criteria Version 2. Collection method: clinical testing. Allele origin: germline. Affected: yes. Observed: 1 variant allele.
Comment: ABCA12: BP4, BP7

NM_173076.3(ABCA12):c.3837C>T (p.Tyr1279=)

Gene: ABCA12 (ATP binding cassette subfamily A member 12; minus strand). Cytogenetic location: 2q35.
Variant type: single nucleotide variant.
Coding change: c.3837C>T on transcript NM_173076.3 (MANE Select); coding-DNA position 3837, C replaced by T.
Protein change: p.Tyr1279=; no amino-acid change (tyrosine 1279 retained).
Molecular consequence: synonymous variant. On other transcripts: non-coding transcript variant (1).
Genome position (GRCh38, 1-based): chr2:214,987,786, G>A on the plus strand (C>T on the coding strand, the complement: ABCA12 is on the minus strand). VCF-style: chr2-214987786-G-A. GRCh37 (hg19) VCF-style: chr2-215852510-G-A.
Other names: c.2883C>T, p.Tyr961= (NM_015657.4).
Identifiers: ClinVar variation 2651865 (VCV002651865.27), dbSNP rs763069319, ClinGen allele CA2091609.